The following is an entry in ClinVar:

NM_001330723.2(SNX27):c.1256G>A (p.Arg419Lys)

Gene: SNX27 (sorting nexin 27; plus strand). Cytogenetic location: 1q21.3.
Variant type: single nucleotide variant.
Coding change: c.1256G>A on transcript NM_001330723.2 (MANE Select); coding-DNA position 1256, G replaced by A.
Protein change: p.Arg419Lys; replaces arginine 419 with lysine.
Molecular consequence: missense variant.
Genome position (GRCh38, 1-based): chr1:151,692,451, G>A. VCF-style: chr1-151692451-G-A. GRCh37 (hg19) VCF-style: chr1-151664927-G-A.
Other names: c.1256G>A, p.Arg419Lys (NM_030918.6); short protein forms R419K.
Identifiers: ClinVar variation 1429498 (VCV001429498.4), dbSNP rs1314203228, ClinGen allele CA341971653.

ClinVar aggregate classification (germline): Uncertain significance (1 of 4 stars; one submission).

Conditions:
Severe myoclonic epilepsy in infancy (DRVT). Also called: SEVERE MYOCLONIC EPILEPSY OF INFANCY; DEVELOPMENTAL AND EPILEPTIC ENCEPHALOPATHY 6A; Severe Myoclonic Epilepsy in Infancy (SMEI); Epileptic encephalopathy, early infantile, 6 (Dravet syndrome); Dravet syndrome. Identifiers: Orphanet 33069, MedGen C0751122, MONDO:0100135, OMIM 607208.

Allele frequency attached by ClinVar (database versions not stated): gnomAD exomes below 0.00001; gnomAD 0.00002.
gnomAD v4.1: 3 of 588,358 alleles (0.00051%); highest among the groups gnomAD compares: Non-Finnish European, 0.0009%; no homozygotes.

Submission:

Labcorp Genetics (formerly Invitae), Labcorp
Classification: Uncertain significance for Severe myoclonic epilepsy in infancy. Last evaluated: 2021-12-12. Review status: criteria provided, single submitter. Criteria: Invitae Variant Classification Sherloc (09022015). Collection method: clinical testing. Allele origin: germline.
Comment: In summary, the available evidence is currently insufficient to determine the role of this variant in disease. Therefore, it has been classified as a Variant of Uncertain Significance. Algorithms developed to predict the effect of missense changes on protein structure and function are either unavailable or do not agree on the potential impact of this missense change (SIFT: "Deleterious"; PolyPhen-2: "Possibly Damaging"; Align-GVGD: "Class C0"). This variant has not been reported in the literature in individuals affected with SNX27-related conditions. This variant is not present in population databases (gnomAD no frequency). This sequence change replaces arginine, which is basic and polar, with lysine, which is basic and polar, at codon 419 of the SNX27 protein (p.Arg419Lys).